The following is an entry in ClinVar:

ClinVar aggregate classification (germline): Uncertain significance (1 of 4 stars; one submission).

Conditions:
Seizures, benign familial infantile, 3 (BFIS3). Also called: CONVULSIONS, BENIGN FAMILIAL INFANTILE, 3; Familial neonatal seizures. Identifiers: Orphanet 140927, Orphanet 306, MedGen C1843140, MONDO:0011904, OMIM 607745.
Developmental and epileptic encephalopathy, 11 (DEE11). Also called: Early infantile epileptic encephalopathy 11. Identifiers: Orphanet 1934, MedGen C3150987, MONDO:0013388, OMIM 613721.

gnomAD v4.1: 1 of 1,613,996 alleles (0.000062%); highest among the groups gnomAD compares: Non-Finnish European, 0.000085%; no homozygotes.

Submission:

Labcorp Genetics (formerly Invitae), Labcorp
Classification: Uncertain significance for Seizures, benign familial infantile, 3; Developmental and epileptic encephalopathy, 11. Last evaluated: 2024-12-17. Review status: criteria provided, single submitter. Criteria: Invitae Variant Classification Sherloc (09022015). Collection method: clinical testing. Allele origin: germline.
Comment: This sequence change replaces alanine, which is neutral and non-polar, with serine, which is neutral and polar, at codon 1035 of the SCN2A protein (p.Ala1035Ser). This variant is not present in population databases (gnomAD no frequency). This variant has not been reported in the literature in individuals affected with SCN2A-related conditions. Invitae Evidence Modeling of protein sequence and biophysical properties (such as structural, functional, and spatial information, amino acid conservation, physicochemical variation, residue mobility, and thermodynamic stability) indicates that this missense variant is not expected to disrupt SCN2A protein function with a negative predictive value of 95%. In summary, the available evidence is currently insufficient to determine the role of this variant in disease. Therefore, it has been classified as a Variant of Uncertain Significance.

NM_001040142.2(SCN2A):c.3103G>T (p.Ala1035Ser)

Gene: SCN2A (sodium voltage-gated channel alpha subunit 2; plus strand). Cytogenetic location: 2q24.3.
Variant type: single nucleotide variant.
Coding change: c.3103G>T on transcript NM_001040142.2 (MANE Select); coding-DNA position 3103, G replaced by T.
Protein change: p.Ala1035Ser; replaces alanine 1035 with serine.
Molecular consequence: missense variant.
Genome position (GRCh38, 1-based): chr2:165,354,375, G>T. VCF-style: chr2-165354375-G-T. GRCh37 (hg19) VCF-style: chr2-166210885-G-T.
Other names: c.3103G>T, p.Ala1035Ser (NM_001040143.2, NM_001371246.1, NM_001371247.1 and 1 more transcripts); short protein forms A1035S.
Identifiers: ClinVar variation 3751557 (VCV003751557.2).